The following is an entry in ClinVar:

ClinVar aggregate classification (germline): Benign (1 of 4 stars; one submission).

Conditions:
Hereditary pheochromocytoma and paraganglioma. Also called: Hereditary Paraganglioma-Pheochromocytoma Syndromes; Hereditary paragangliomas and pheochromocytomas; Hereditary pheochromocytoma-paraganglioma. Identifiers: Orphanet 29072, MedGen C4274332, MONDO:0017366.

Allele frequency attached by ClinVar (database versions not stated): 1000 Genomes Project 0.00040; gnomAD 0.00021 and 0.00027; 1000 Genomes Project 30x 0.00078; gnomAD exomes 0.00022; TOPMed 0.00029.

Submission:

Illumina Laboratory Services, Illumina
Classification: Benign for Hereditary Paraganglioma-Pheochromocytoma Syndromes. Last evaluated: 2018-01-12. Review status: criteria provided, single submitter. Criteria: ICSL Variant Classification Criteria 13 December 2019. Collection method: clinical testing. Allele origin: germline.
Comment: This variant was observed in the ICSL laboratory as part of a predisposition screen in an ostensibly healthy population. It had not been previously curated by ICSL or reported in the Human Gene Mutation Database (HGMD: prior to June 1st, 2018), and was therefore a candidate for classification through an automated scoring system. Utilizing variant allele frequency, disease prevalence and penetrance estimates, and inheritance mode, an automated score was calculated to assess if this variant is too frequent to cause the disease. Based on the score and internal cut-off values, a variant classified as benign is not then subjected to further curation. The score for this variant resulted in a classification of benign for this disease.

NM_003001.3(SDHC):c.*1190T>A

Gene: SDHC (succinate dehydrogenase complex subunit C; plus strand). Cytogenetic location: 1q23.3.
Variant type: single nucleotide variant.
Coding change: c.*1190T>A on transcript NM_003001.3; 1190 bases downstream of the stop codon, T replaced by A.
Genome position (GRCh38, 1-based): chr1:161,363,623, T>A. VCF-style: chr1-161363623-T-A. GRCh37 (hg19) VCF-style: chr1-161333413-T-A.
Identifiers: ClinVar variation 293342 (VCV000293342.7), dbSNP rs549554302, ClinGen allele CA10608037.
Genomic context (GRCh38, chr1:161,363,623, plus strand): 5'-GCTAGGGGATGATGACCTGAGGTTATAGGCTTGGGGTGAATGAAGCATAGAGTTTTTTTT[T>A]AAAAAAGAAGGGATTGTTGAAAACCTGGCAAAAATGTATAATTTAATGAGAAAACTTGCT-3'